The following is an entry in ClinVar:

NM_024678.6(NARS2):c.899A>G (p.Lys300Arg)

Gene: NARS2 (asparaginyl-tRNA synthetase 2, mitochondrial; minus strand). Cytogenetic location: 11q14.1.
Variant type: single nucleotide variant.
Coding change: c.899A>G on transcript NM_024678.6 (MANE Select); coding-DNA position 899, A replaced by G.
Protein change: p.Lys300Arg; replaces lysine 300 with arginine.
Molecular consequence: missense variant.
Genome position (GRCh38, 1-based): chr11:78,478,607, T>C on the plus strand (A>G on the coding strand, the complement: NARS2 is on the minus strand). VCF-style: chr11-78478607-T-C. GRCh37 (hg19) VCF-style: chr11-78189653-T-C.
Other names: p.Lys300Arg; c.218A>G, p.Lys73Arg (NM_001243251.2); short protein forms K300R, K73R.
Identifiers: ClinVar variation 380089 (VCV000380089.12), dbSNP rs116930926, ClinGen allele CA6205670.

ClinVar aggregate classification (germline): Benign. Review status: criteria provided, multiple submitters, no conflicts (2 of 4 stars). 5 submissions from 5 submitters: Benign (5). Last evaluated 2026-02-01.

Allele frequency attached by ClinVar (database versions not stated): 1000 Genomes Project 30x 0.00484; 1000 Genomes Project 0.00579; TOPMed 0.01770; gnomAD 0.01798 and 0.01886; ExAC 0.01891; gnomAD exomes 0.01896 and 0.02476; ESP Exome Variant Server 0.02049.
gnomAD v4.1: 38,832 of 1,610,598 alleles (2.4%); highest among the groups gnomAD compares: Non-Finnish European, 2.8%; 590 homozygotes.

Submissions (5):

Labcorp Genetics (formerly Invitae), Labcorp
Classification: Benign. Last evaluated: 2026-02-01. Review status: criteria provided, single submitter. Criteria: Invitae Variant Classification Sherloc (09022015). Collection method: clinical testing. Allele origin: germline.

Mayo Clinic Laboratories, Mayo Clinic
Classification: Benign. Last evaluated: 2023-04-13. Review status: criteria provided, single submitter. Criteria: ACMG Guidelines, 2015. Collection method: clinical testing. Allele origin: germline. Observed: 19 variant alleles.
Comment: BA1, BS2, BP4

Athena Diagnostics
Classification: Benign. Last evaluated: 2019-02-14. Review status: criteria provided, single submitter. Criteria: Athena Diagnostics Criteria. Collection method: clinical testing. Allele origin: germline.

GeneDx
Classification: Benign. Last evaluated: 2016-03-11. Review status: criteria provided, single submitter. Criteria: GeneDx Variant Classification (06012015). Collection method: clinical testing. Allele origin: germline. Affected: yes.
Comment: This variant is considered likely benign or benign based on one or more of the following criteria: it is a conservative change, it occurs at a poorly conserved position in the protein, it is predicted to be benign by multiple in silico algorithms, and/or has population frequency not consistent with disease.

Breakthrough Genomics
Classification: Benign. Review status: criteria provided, single submitter. Criteria: ACMG Guidelines, 2015. Collection method: not provided. Allele origin: germline. Inheritance: Autosomal recessive inheritance. Affected: yes.